The following is an entry in ClinVar:

NM_001754.5(RUNX1):c.1409C>G (p.Ala470Gly)

Gene: RUNX1 (RUNX family transcription factor 1; minus strand). Cytogenetic location: 21q22.12.
Variant type: single nucleotide variant.
Coding change: c.1409C>G on transcript NM_001754.5 (MANE Select); coding-DNA position 1409, C replaced by G.
Protein change: p.Ala470Gly; replaces alanine 470 with glycine.
Molecular consequence: missense variant.
Genome position (GRCh38, 1-based): chr21:34,792,169, G>C on the plus strand (C>G on the coding strand, the complement: RUNX1 is on the minus strand). VCF-style: chr21-34792169-G-C. GRCh37 (hg19) VCF-style: chr21-36164466-G-C.
Other names: NM_001754.5(RUNX1):c.1409C>G; p.Ala470Gly; c.1328C>G, p.Ala443Gly (NM_001001890.3); short protein forms A443G, A470G.
Identifiers: ClinVar variation 2753273 (VCV002753273.4), dbSNP rs1601331921, ClinGen allele CA410146727.
Genomic context (GRCh38, chr21:34,792,169, plus strand): 5'-GGCCCAGCCGGGCCAGGCCTGGCGCCTCAGTAGGGCCTCCACACGGCCTCCTCCAGGCGC[G>C]CGGAGGGCGCCATGTTGGTGGGGGAGTTGCTGTGGCTGCCCTCGGCCTCCACCACGTCGC-3'
Protein context (NP_001745.2, residues 460-480): SNSPTNMAPS[Ala470Gly]RLEEAVWRPY

ClinVar aggregate classification (germline): Uncertain significance. Review status: reviewed by expert panel (3 of 4 stars). 2 submissions from 2 submitters: Uncertain significance (1). 1 of the submissions does not count toward it. Last evaluated 2024-10-29.

Conditions:
Hereditary thrombocytopenia and hematological cancer predisposition syndrome associated with RUNX1. Also called: Familial Platelet Disorder with Propensity to Acute Myelogenous Leukemia; Familial thrombocytopenia with propensity to acute myelogenous leukemia; PLATELET DISORDER, ASPIRIN-LIKE; RUNX1 Familial Platelet Disorder with Associated Myeloid Malignancies. Identifiers: Orphanet 71290, MedGen C1832388, MeSH C563324, MONDO:0100083, OMIM 601399.
Hereditary thrombocytopenia and hematologic cancer predisposition syndrome. Identifiers: Orphanet 71290, MedGen CN281654, MONDO:0011071.

Submissions (2):

ClinGen Myeloid Malignancy Variant Curation Expert Panel
Classification: Uncertain significance for Hereditary thrombocytopenia and hematologic cancer predisposition syndrome. Last evaluated: 2024-10-29. Review status: reviewed by expert panel. Criteria: ClinGen MyeloMalig ACMG Specifications v2. Collection method: curation. Allele origin: germline. Inheritance: Autosomal dominant inheritance.
Comment: NM_001754.5(RUNX1):c.1409C>G (p.Ala470Gly) is a missense variant. This variant is completely absent from all population databases with at least 20x coverage for RUNX1 (PM2_Supporting). This variant has not been reported in any proband meeting at least one of the RUNX1-phenotypic criteria. This missense variant has a REVEL score <0.5 (0.043)(BP4). In summary, this variant meets the criteria to be classified as a variant of uncertain significance. ACMG/AMP criteria applied, as specified by the Myeloid Malignancy Variant Curation Expert Panel for RUNX1: BP4, PM2_supporting

Labcorp Genetics (formerly Invitae), Labcorp
Classification: Uncertain significance for Hereditary thrombocytopenia and hematological cancer predisposition syndrome associated with RUNX1. Last evaluated: 2023-10-18. Review status: criteria provided, single submitter. Criteria: Invitae Variant Classification Sherloc (09022015). Collection method: clinical testing. Allele origin: germline. Not counted in ClinVar's aggregate classification.
Comment: This sequence change replaces alanine, which is neutral and non-polar, with glycine, which is neutral and non-polar, at codon 470 of the RUNX1 protein (p.Ala470Gly). This variant is not present in population databases (gnomAD no frequency). This variant has not been reported in the literature in individuals affected with RUNX1-related conditions. Advanced modeling of protein sequence and biophysical properties (such as structural, functional, and spatial information, amino acid conservation, physicochemical variation, residue mobility, and thermodynamic stability) performed at Invitae indicates that this missense variant is not expected to disrupt RUNX1 protein function with a negative predictive value of 80%. In summary, the available evidence is currently insufficient to determine the role of this variant in disease. Therefore, it has been classified as a Variant of Uncertain Significance.